The following is an entry in ClinVar:

NM_002439.5(MSH3):c.1883T>C (p.Ile628Thr)

Gene: MSH3 (mutS homolog 3; plus strand). Cytogenetic location: 5q14.1.
Variant type: single nucleotide variant.
Coding change: c.1883T>C on transcript NM_002439.5 (MANE Select); coding-DNA position 1883, T replaced by C.
Protein change: p.Ile628Thr; replaces isoleucine 628 with threonine.
Molecular consequence: missense variant.
Genome position (GRCh38, 1-based): chr5:80,761,665, T>C. VCF-style: chr5-80761665-T-C. GRCh37 (hg19) VCF-style: chr5-80057484-T-C.
Other names: c.1883T>C (NM_002439.3); short protein forms I628T.
Identifiers: ClinVar variation 1381435 (VCV001381435.9), dbSNP rs2112880059, ClinGen allele CA360276717.

ClinVar aggregate classification (germline): Uncertain significance. Review status: criteria provided, multiple submitters, no conflicts (2 of 4 stars). 2 submissions from 2 submitters: Uncertain significance (2). Last evaluated 2024-11-15.

Conditions:
Hereditary cancer-predisposing syndrome. Also called: Tumor predisposition; Neoplastic Syndromes, Hereditary; Hereditary Cancer Syndrome; Hereditary neoplastic syndrome. Identifiers: Orphanet 140162, MedGen C0027672, MeSH D009386, MONDO:0015356.

Submissions (2):

Labcorp Genetics (formerly Invitae), Labcorp
Classification: Uncertain significance. Last evaluated: 2024-11-15. Review status: criteria provided, single submitter. Criteria: Invitae Variant Classification Sherloc (09022015). Collection method: clinical testing. Allele origin: germline.
Comment: This sequence change replaces isoleucine, which is neutral and non-polar, with threonine, which is neutral and polar, at codon 628 of the MSH3 protein (p.Ile628Thr). This variant is not present in population databases (gnomAD no frequency). This variant has not been reported in the literature in individuals affected with MSH3-related conditions. ClinVar contains an entry for this variant (Variation ID: 1381435). An algorithm developed to predict the effect of missense changes on protein structure and function (PolyPhen-2) suggests that this variant is likely to be disruptive. In summary, the available evidence is currently insufficient to determine the role of this variant in disease. Therefore, it has been classified as a Variant of Uncertain Significance.

Ambry Genetics
Classification: Uncertain significance for Hereditary cancer-predisposing syndrome. Last evaluated: 2023-12-31. Review status: criteria provided, single submitter. Criteria: Ambry Variant Classification Scheme 2023. Collection method: clinical testing. Allele origin: germline.
Comment: The p.I628T variant (also known as c.1883T>C), located in coding exon 13 of the MSH3 gene, results from a T to C substitution at nucleotide position 1883. The isoleucine at codon 628 is replaced by threonine, an amino acid with similar properties. This amino acid position is conserved. In addition, this alteration is predicted to be deleterious by in silico analysis. Since supporting evidence is limited at this time, the clinical significance of this alteration remains unclear.